The following is an entry in ClinVar:

NM_014026.6(DCPS):c.791G>T (p.Arg264Leu)

Genes: DCPS (decapping enzyme, scavenger; plus strand), GSEC (G-quadruplex forming sequence containing lncRNA; minus strand). Cytogenetic location: 11q24.2.
Variant type: single nucleotide variant.
Coding change: c.791G>T on transcript NM_014026.6 (MANE Select); coding-DNA position 791, G replaced by T.
Protein change: p.Arg264Leu; replaces arginine 264 with leucine.
Molecular consequence: missense variant.
Genome position (GRCh38, 1-based): chr11:126,345,390, G>T. VCF-style: chr11-126345390-G-T. GRCh37 (hg19) VCF-style: chr11-126215285-G-T.
Other names: c.812G>T, p.Arg271Leu (NM_001350236.2); short protein forms R264L, R271L.
Identifiers: ClinVar variation 1033251 (VCV001033251.1), dbSNP rs140377449, ClinGen allele CA230572889.

ClinVar aggregate classification (germline): Uncertain significance (1 of 4 stars; one submission).

Conditions:
Al-Raqad syndrome. Identifiers: MedGen C4085595, MONDO:0014648, OMIM 616459.

Allele frequency attached by ClinVar (database versions not stated): TOPMed 0.00002.
gnomAD v4.1: 8 of 1,614,046 alleles (0.0005%); highest among the groups gnomAD compares: Non-Finnish European, 0.00059%; no homozygotes.

Submission:

Baylor Genetics
Classification: Uncertain significance for Al-Raqad syndrome. Last evaluated: 2018-02-07. Review status: criteria provided, single submitter. Criteria: ACMG Guidelines, 2015. Collection method: clinical testing. Allele origin: maternal. Affected: yes.
Comment: This variant was determined to be of uncertain significance according to ACMG Guidelines, 2015 [PMID:25741868].